The following is an entry in ClinVar:

ClinVar aggregate classification (germline): Uncertain significance. Review status: criteria provided, multiple submitters, no conflicts (2 of 4 stars). 3 submissions from 3 submitters: Uncertain significance (3). Last evaluated 2024-03-20.

Conditions:
Inborn genetic diseases. Identifiers: MedGen C0950123, MeSH D030342.
Autosomal recessive limb-girdle muscular dystrophy type 2P. Also called: MUSCULAR DYSTROPHY-DYSTROGLYCANOPATHY, LIMB-GIRDLE, DAG1-RELATED; MUSCULAR DYSTROPHY, LIMB-GIRDLE, TYPE 2P; Limb-Girdle Muscular Dystrophy Type 9C. Identifiers: Orphanet 280333, MedGen C4511963, MONDO:0013440, OMIM 613818.
Muscular dystrophy-dystroglycanopathy (congenital with brain and eye anomalies), type A9. Also called: Muscular dystrophy-dystroglycanopathy (congenital with brain and eye anomalies), type a, 9; WALKER-WARBURG SYNDROME OR MUSCLE-EYE BRAIN DISEASE, DAG1-RELATED. Identifiers: Orphanet 370997, Orphanet 899, MedGen C4225291, MONDO:0014683, OMIM 616538.

Allele frequency attached by ClinVar (database versions not stated): TOPMed 0.00003; ESP Exome Variant Server 0.00008.
gnomAD v4.1: 11 of 1,613,930 alleles (0.00068%); highest among the groups gnomAD compares: East Asian, 0.0089%; no homozygotes.

Submissions (3):

Ambry Genetics
Classification: Uncertain significance for Inborn genetic diseases. Last evaluated: 2024-03-20. Review status: criteria provided, single submitter. Criteria: Ambry Variant Classification Scheme 2023. Collection method: clinical testing. Allele origin: germline.

Labcorp Genetics (formerly Invitae), Labcorp
Classification: Uncertain significance for Autosomal recessive limb-girdle muscular dystrophy type 2P; Muscular dystrophy-dystroglycanopathy (congenital with brain and eye anomalies), type A9. Last evaluated: 2023-12-11. Review status: criteria provided, single submitter. Criteria: Invitae Variant Classification Sherloc (09022015). Collection method: clinical testing. Allele origin: germline.
Comment: This sequence change replaces arginine, which is basic and polar, with glutamine, which is neutral and polar, at codon 714 of the DAG1 protein (p.Arg714Gln). This variant is present in population databases (rs201488118, gnomAD 0.02%). This variant has not been reported in the literature in individuals affected with DAG1-related conditions. ClinVar contains an entry for this variant (Variation ID: 471772). Advanced modeling of protein sequence and biophysical properties (such as structural, functional, and spatial information, amino acid conservation, physicochemical variation, residue mobility, and thermodynamic stability) performed at Invitae indicates that this missense variant is not expected to disrupt DAG1 protein function with a negative predictive value of 80%. In summary, the available evidence is currently insufficient to determine the role of this variant in disease. Therefore, it has been classified as a Variant of Uncertain Significance.

Revvity Omics, Revvity
Classification: Uncertain significance. Last evaluated: 2019-06-26. Review status: criteria provided, single submitter. Criteria: ACMG Guidelines, 2015. Collection method: clinical testing. Allele origin: germline.

NM_004393.6(DAG1):c.2141G>A (p.Arg714Gln)

Gene: DAG1 (dystroglycan 1; plus strand). Cytogenetic location: 3p21.31.
Variant type: single nucleotide variant.
Coding change: c.2141G>A on transcript NM_004393.6 (MANE Select); coding-DNA position 2141, G replaced by A.
Protein change: p.Arg714Gln; replaces arginine 714 with glutamine.
Molecular consequence: missense variant.
Genome position (GRCh38, 1-based): chr3:49,532,652, G>A. VCF-style: chr3-49532652-G-A. GRCh37 (hg19) VCF-style: chr3-49570085-G-A.
Other names: c.2141G>A (NM_004393.4); c.2141G>A, p.Arg714Gln (NM_001165928.4, NM_001177634.3, NM_001177635.3 and 9 more transcripts); short protein forms R714Q.
Identifiers: ClinVar variation 471772 (VCV000471772.10), dbSNP rs201488118, ClinGen allele CA2399214.